The following is an entry in ClinVar:

ClinVar aggregate classification (germline): Pathogenic (1 of 4 stars; one submission).

Conditions:
Autosomal recessive polycystic kidney disease (ARPKD). Also called: AR polycystic kidney disease. Identifiers: Orphanet 731, Orphanet 8378, MedGen C0085548, MeSH D017044, MONDO:0009889.

gnomAD v4.1: 1 of 1,613,448 alleles (0.000062%); highest among the groups gnomAD compares: Non-Finnish European, 0.000085%; no homozygotes.

Submission:

Labcorp Genetics (formerly Invitae), Labcorp
Classification: Pathogenic for Autosomal recessive polycystic kidney disease. Last evaluated: 2023-03-16. Review status: criteria provided, single submitter. Criteria: Invitae Variant Classification Sherloc (09022015). Collection method: clinical testing. Allele origin: germline.
Comment: This sequence change creates a premature translational stop signal (p.Trp3871*) in the PKHD1 gene. It is expected to result in an absent or disrupted protein product. Loss-of-function variants in PKHD1 are known to be pathogenic (PMID: 19940839). This variant is not present in population databases (gnomAD no frequency). This premature translational stop signal has been observed in individual(s) with polycystic kidney disease (PMID: 11919560, 31395954). For these reasons, this variant has been classified as Pathogenic.

Literature cited by the submitters: PubMed 19940839; PubMed 11919560; PubMed 31395954.

NM_138694.4(PKHD1):c.11613G>A (p.Trp3871Ter)

Gene: PKHD1 (PKHD1 ciliary IPT domain containing fibrocystin/polyductin; minus strand). Cytogenetic location: 6p12.3.
Variant type: single nucleotide variant.
Coding change: c.11613G>A on transcript NM_138694.4 (MANE Select); coding-DNA position 11613, G replaced by A.
Protein change: p.Trp3871Ter; replaces tryptophan 3871 with a stop codon.
Molecular consequence: nonsense.
Genome position (GRCh38, 1-based): chr6:51,632,617, C>T on the plus strand (G>A on the coding strand, the complement: PKHD1 is on the minus strand). VCF-style: chr6-51632617-C-T. GRCh37 (hg19) VCF-style: chr6-51497415-C-T.
Other names: short protein forms W3871*.
Identifiers: ClinVar variation 2846263 (VCV002846263.3), dbSNP rs2533093693, ClinGen allele CA364420075.